The following is an entry in ClinVar:

NM_001384140.1(PCDH15):c.657G>T (p.Arg219Ser)

Gene: PCDH15 (protocadherin related 15; minus strand). Cytogenetic location: 10q21.1.
Variant type: single nucleotide variant.
Coding change: c.657G>T on transcript NM_001384140.1 (MANE Select); coding-DNA position 657, G replaced by T.
Protein change: p.Arg219Ser; replaces arginine 219 with serine.
Molecular consequence: missense variant. On other transcripts: intron variant (1).
Genome position (GRCh38, 1-based): chr10:54,329,644, C>A on the plus strand (G>T on the coding strand, the complement: PCDH15 is on the minus strand). VCF-style: chr10-54329644-C-A. GRCh37 (hg19) VCF-style: chr10-56089404-C-A.
Other names: c.672G>T, p.Arg224Ser (NM_001142763.2, NM_001142769.4, NM_001142771.2); c.657G>T, p.Arg219Ser (NM_001142764.2, NM_001142765.2, NM_001142766.2 and 7 more transcripts); c.591G>T, p.Arg197Ser (NM_001142768.2, NM_001142773.2, NM_001354404.2); c.595-12203G>T (NM_001142767.2); short protein forms R197S, R219S, R224S.
Identifiers: ClinVar variation 1707107 (VCV001707107.2), dbSNP rs751365900, ClinGen allele CA376541222.

ClinVar aggregate classification (germline): Uncertain significance (1 of 4 stars; one submission).

gnomAD v4.1: 1 of 1,609,286 alleles (0.000062%); highest among the groups gnomAD compares: Admixed American, 0.0017%; no homozygotes.

Submission:

GeneDx
Classification: Uncertain significance. Last evaluated: 2022-03-25. Review status: criteria provided, single submitter. Criteria: GeneDx Variant Classification Process June 2021. Collection method: clinical testing. Allele origin: germline. Affected: yes.
Comment: Not observed at significant frequency in large population cohorts (gnomAD); In silico analysis supports that this missense variant has a deleterious effect on protein structure/function; Has not been previously published as pathogenic or benign to our knowledge